The following is an entry in ClinVar:

ClinVar aggregate classification (germline): Uncertain significance (1 of 4 stars; one submission).

Submission:

Labcorp Genetics (formerly Invitae), Labcorp
Classification: Uncertain significance. Last evaluated: 2022-06-27. Review status: criteria provided, single submitter. Criteria: Invitae Variant Classification Sherloc (09022015). Collection method: clinical testing. Allele origin: germline.
Comment: This variant is not present in population databases (gnomAD no frequency). This sequence change replaces arginine, which is basic and polar, with proline, which is neutral and non-polar, at codon 361 of the GDF5 protein (p.Arg361Pro). This variant has not been reported in the literature in individuals affected with GDF5-related conditions. In summary, the available evidence is currently insufficient to determine the role of this variant in disease. Therefore, it has been classified as a Variant of Uncertain Significance. Algorithms developed to predict the effect of missense changes on protein structure and function are either unavailable or do not agree on the potential impact of this missense change (SIFT: "Deleterious"; PolyPhen-2: "Benign"; Align-GVGD: "Class C15").

NM_000557.5(GDF5):c.1082G>C (p.Arg361Pro)

Genes: GDF5 (growth differentiation factor 5; minus strand), GDF5-AS1 (GDF5 antisense RNA 1; plus strand). Cytogenetic location: 20q11.22.
Variant type: single nucleotide variant.
Coding change: c.1082G>C on transcript NM_000557.5 (MANE Select); coding-DNA position 1082, G replaced by C.
Protein change: p.Arg361Pro; replaces arginine 361 with proline.
Molecular consequence: missense variant. On other transcripts: non-coding transcript variant (1).
Genome position (GRCh38, 1-based): chr20:35,434,333, C>G on the plus strand (G>C on the coding strand, the complement: GDF5 is on the minus strand). VCF-style: chr20-35434333-C-G. GRCh37 (hg19) VCF-style: chr20-34022131-C-G.
Other names: c.1082G>C, p.Arg361Pro (NM_001319138.2); short protein forms R361P.
Identifiers: ClinVar variation 1410926 (VCV001410926.8), dbSNP rs1319557108, ClinGen allele CA408740130.
Genomic context (GRCh38, chr20:35,434,333, plus strand): 5'-CGCCGTTTTCGCCGCTGGCTGAACAGGTACTCATACACGGTCTTATCGTCCTGGCCAGAG[C>G]GGGCCTTAATCTCATTAAAGAACAGGTCCCGTTTCTTGGTGCGGCCAAACACCAGGAACA-3'
Protein context (NP_000548.2, residues 351-371): RDLFFNEIKA[Arg361Pro]SGQDDKTVYE